The following is an entry in ClinVar:

ClinVar aggregate classification (germline): Uncertain significance (1 of 4 stars; one submission).

Conditions:
Short-rib thoracic dysplasia 14 with polydactyly (SRTD14). Identifiers: Orphanet 397715, MedGen C4225286, MONDO:0014688, OMIM 616546.
Joubert syndrome 23 (JBTS23). Identifiers: Orphanet 475, MedGen C4084822, MONDO:0014664, OMIM 616490.

Submission:

Labcorp Genetics (formerly Invitae), Labcorp
Classification: Uncertain significance for Joubert syndrome 23; Short-rib thoracic dysplasia 14 with polydactyly. Last evaluated: 2021-04-10. Review status: criteria provided, single submitter. Criteria: Invitae Variant Classification Sherloc (09022015). Collection method: clinical testing. Allele origin: germline.
Comment: Algorithms developed to predict the effect of missense changes on protein structure and function are either unavailable or do not agree on the potential impact of this missense change (SIFT: "Deleterious"; PolyPhen-2: "Benign"; Align-GVGD: "Class C0"). This variant has not been reported in the literature in individuals with KIAA0586-related conditions. This variant is not present in population databases (ExAC no frequency). This sequence change replaces glutamic acid with glycine at codon 1028 of the KIAA0586 protein (p.Glu1028Gly). The glutamic acid residue is highly conserved and there is a moderate physicochemical difference between glutamic acid and glycine. In summary, the available evidence is currently insufficient to determine the role of this variant in disease. Therefore, it has been classified as a Variant of Uncertain Significance.

NM_001329943.3(KIAA0586):c.2924A>G (p.Glu975Gly)

Gene: KIAA0586 (KIAA0586; plus strand). Cytogenetic location: 14q23.1.
Variant type: single nucleotide variant.
Coding change: c.2924A>G on transcript NM_001329943.3 (MANE Select); coding-DNA position 2924, A replaced by G.
Protein change: p.Glu975Gly; replaces glutamic acid 975 with glycine.
Molecular consequence: missense variant.
Genome position (GRCh38, 1-based): chr14:58,477,221, A>G. VCF-style: chr14-58477221-A-G. GRCh37 (hg19) VCF-style: chr14-58943939-A-G.
Other names: c.3083A>G, p.Glu1028Gly (NM_001244189.2); c.2879A>G, p.Glu960Gly (NM_001244190.2); c.2669A>G, p.Glu890Gly (NM_001244191.2, NM_001329945.2, NM_001364700.1 and 1 more transcripts); c.2792A>G, p.Glu931Gly (NM_001244192.2); c.2504A>G, p.Glu835Gly (NM_001244193.2); c.2924A>G, p.Glu975Gly (NM_001329944.2, NM_001329946.2, NM_001329947.2); c.2696A>G, p.Glu899Gly (NM_014749.5); short protein forms E899G, E960G, E835G, E931G, E1028G, E890G, E975G.
Identifiers: ClinVar variation 1476373 (VCV001476373.8), dbSNP rs2141054763, ClinGen allele CA389879056.